The following is an entry in ClinVar:

NM_001034853.2(RPGR):c.2477G>A (p.Arg826Lys)

Gene: RPGR (retinitis pigmentosa GTPase regulator; minus strand). Cytogenetic location: Xp11.4.
Variant type: single nucleotide variant.
Coding change: c.2477G>A on transcript NM_001034853.2 (MANE Select); coding-DNA position 2477, G replaced by A.
Protein change: p.Arg826Lys; replaces arginine 826 with lysine.
Molecular consequence: missense variant. On other transcripts: intron variant (8).
Genome position (GRCh38, 1-based): chrX:38,286,522, C>T on the plus strand (G>A on the coding strand, the complement: RPGR is on the minus strand). VCF-style: chrX-38286522-C-T. GRCh37 (hg19) VCF-style: chrX-38145775-C-T.
Other names: c.1569+4437G>A (NM_001367249.1, NM_001367250.1); c.1902+572G>A (NM_001367245.1); c.1386+4437G>A (NM_001367251.1); c.1719+572G>A (NM_001367246.1); c.1572+4437G>A (NM_001367247.1); c.1905+572G>A (NM_000328.3); c.1602+4437G>A (NM_001367248.1); short protein forms R826K.
Identifiers: ClinVar variation 3634879 (VCV003634879.2).

ClinVar aggregate classification (germline): Uncertain significance (1 of 4 stars; one submission).

Conditions:
Primary ciliary dyskinesia. Also called: Ciliary dyskinesia. Identifiers: Orphanet 244, MedGen C0008780, MONDO:0016575, HP:0012265.

Submission:

Labcorp Genetics (formerly Invitae), Labcorp
Classification: Uncertain significance for Primary ciliary dyskinesia. Last evaluated: 2024-01-31. Review status: criteria provided, single submitter. Criteria: Invitae Variant Classification Sherloc (09022015). Collection method: clinical testing. Allele origin: germline.
Comment: This sequence change replaces arginine, which is basic and polar, with lysine, which is basic and polar, at codon 826 of the RPGR (ORF15) protein (p.Arg826Lys). This variant is not present in population databases (gnomAD no frequency). This variant has not been reported in the literature in individuals affected with RPGR (ORF15)-related conditions. Advanced modeling of protein sequence and biophysical properties (such as structural, functional, and spatial information, amino acid conservation, physicochemical variation, residue mobility, and thermodynamic stability) performed at Invitae indicates that this missense variant is not expected to disrupt RPGR (ORF15) protein function with a negative predictive value of 95%. In summary, the available evidence is currently insufficient to determine the role of this variant in disease. Therefore, it has been classified as a Variant of Uncertain Significance.